The following is an entry in ClinVar:

ClinVar aggregate classification (germline): Uncertain significance (1 of 4 stars; one submission).

gnomAD v4.1: 2 of 1,614,014 alleles (0.00012%); highest among the groups gnomAD compares: African/African-American, 0.0027%; no homozygotes.

Submission:

Labcorp Genetics (formerly Invitae), Labcorp
Classification: Uncertain significance. Last evaluated: 2025-09-22. Review status: criteria provided, single submitter. Criteria: Invitae Variant Classification Sherloc (09022015). Collection method: clinical testing. Allele origin: germline.
Comment: This sequence change replaces proline, which is neutral and non-polar, with alanine, which is neutral and non-polar, at codon 108 of the CA4 protein (p.Pro108Ala). This variant is present in population databases (no rsID available, gnomAD 0.01%). This variant has not been reported in the literature in individuals affected with CA4-related conditions. Invitae Evidence Modeling of protein sequence and biophysical properties (such as structural, functional, and spatial information, amino acid conservation, physicochemical variation, residue mobility, and thermodynamic stability) indicates that this missense variant is not expected to disrupt CA4 protein function with a negative predictive value of 80%. In summary, the available evidence is currently insufficient to determine the role of this variant in disease. Therefore, it has been classified as a Variant of Uncertain Significance.

NM_000717.5(CA4):c.322C>G (p.Pro108Ala)

Gene: CA4 (carbonic anhydrase 4; plus strand). Cytogenetic location: 17q23.1.
Variant type: single nucleotide variant.
Coding change: c.322C>G on transcript NM_000717.5 (MANE Select); coding-DNA position 322, C replaced by G.
Protein change: p.Pro108Ala; replaces proline 108 with alanine.
Molecular consequence: missense variant. On other transcripts: non-coding transcript variant (1).
Genome position (GRCh38, 1-based): chr17:60,157,480, C>G. VCF-style: chr17-60157480-C-G. GRCh37 (hg19) VCF-style: chr17-58234841-C-G.
Other names: short protein forms P108A.
Identifiers: ClinVar variation 4698497 (VCV004698497.1).